The following is an entry in ClinVar:

NM_152424.4(AMER1):c.1900C>T (p.Arg634Cys)

Gene: AMER1 (APC membrane recruitment protein 1; minus strand). Cytogenetic location: Xq11.2.
Variant type: single nucleotide variant.
Coding change: c.1900C>T on transcript NM_152424.4 (MANE Select); coding-DNA position 1900, C replaced by T.
Protein change: p.Arg634Cys; replaces arginine 634 with cysteine.
Molecular consequence: missense variant.
Genome position (GRCh38, 1-based): chrX:64,191,387, G>A on the plus strand (C>T on the coding strand, the complement: AMER1 is on the minus strand). VCF-style: chrX-64191387-G-A. GRCh37 (hg19) VCF-style: chrX-63411267-G-A.
Other names: short protein forms R634C.
Identifiers: ClinVar variation 2990981 (VCV002990981.4), dbSNP rs866313799, ClinGen allele CA329956090.
Genomic context (GRCh38, chrX:64,191,387, plus strand): 5'-ACTCTAAGACGGGCTTCTCCTGCCGGGCCTGGGTCTCTCGGACTTGAGTCTCTCTACAAC[G>A]AACCTCTCGGGCCTGGGCTTCTCGGGTTCTGGCCTCCCTGCCATGAGCTTCCCAAGTGTG-3'
Protein context (NP_689637.3, residues 624-644): RTREAQAREV[Arg634Cys]CRETQVRETQ

ClinVar aggregate classification (germline): Conflicting classifications of pathogenicity. Review status: criteria provided, conflicting classifications (1 of 4 stars). 2 submissions from 2 submitters: Uncertain significance (1); Benign (1). Last evaluated 2025-01-28.

Conditions:
Osteopathia striata with cranial sclerosis (OSCS). Also called: HYPEROSTOSIS GENERALISATA WITH STRIATIONS. Identifiers: Orphanet 2780, MedGen C0432268, MONDO:0010310, OMIM 300373.

Allele frequency attached by ClinVar (database versions not stated): gnomAD 0.00001; TOPMed 0.00001.

Submissions (2):

Labcorp Genetics (formerly Invitae), Labcorp
Classification: Benign. Last evaluated: 2025-01-28. Review status: criteria provided, single submitter. Criteria: Invitae Variant Classification Sherloc (09022015). Collection method: clinical testing. Allele origin: germline.

Neuberg Centre For Genomic Medicine, NCGM
Classification: Uncertain significance for Osteopathia striata with cranial sclerosis. Review status: criteria provided, single submitter. Criteria: ACMG Guidelines, 2015. Collection method: clinical testing. Allele origin: germline. Inheritance: X-linked dominant inheritance. Affected: yes.
Comment: The observed missense variant c.1900C>T(p.Arg634Cys) in the AMER1 gene has not been reported previously as a pathogenic variant nor as a benign variant, to our knowledge. This variant is absent in the gnomAD Exomes. The amino acid Arg at position 634 is changed to a Cys changing protein sequence and it might alter its composition and physico-chemical properties. Multiple lines of computational evidence (Polyphen - Benign, SIFT - Tolerated and MutationTaster - Polymorphism) predict no damaging effect on protein structure and function for this variant. The residue is conserved by GERP++ and PhyloP across 100 vertebrates. For these reasons, this variant has been classified as Uncertain Significance.